The following is an entry in ClinVar:

ClinVar aggregate classification (germline): Uncertain significance (1 of 4 stars; one submission).

Allele frequency attached by ClinVar (database versions not stated): gnomAD exomes below 0.00001; TOPMed below 0.00001.
gnomAD v4.1: 1 of 1,611,996 alleles (0.000062%); highest among the groups gnomAD compares: Non-Finnish European, 0.000085%; no homozygotes.

Submission:

Labcorp Genetics (formerly Invitae), Labcorp
Classification: Uncertain significance. Last evaluated: 2023-03-30. Review status: criteria provided, single submitter. Criteria: Invitae Variant Classification Sherloc (09022015). Collection method: clinical testing. Allele origin: germline.
Comment: This sequence change affects codon 326 of the HYOU1 mRNA. It is a 'silent' change, meaning that it does not change the encoded amino acid sequence of the HYOU1 protein. This variant is present in population databases (no rsID available, gnomAD 0.0009%). This variant has not been reported in the literature in individuals affected with HYOU1-related conditions. In summary, the available evidence is currently insufficient to determine the role of this variant in disease. Therefore, it has been classified as a Variant of Uncertain Significance.

NM_006389.5(HYOU1):c.978C>T (p.His326=)

Gene: HYOU1 (hypoxia up-regulated 1; minus strand). Cytogenetic location: 11q23.3.
Variant type: single nucleotide variant.
Coding change: c.978C>T on transcript NM_006389.5 (MANE Select); coding-DNA position 978, C replaced by T.
Protein change: p.His326=; no amino-acid change (histidine 326 retained).
Molecular consequence: synonymous variant.
Genome position (GRCh38, 1-based): chr11:119,052,646, G>A on the plus strand (C>T on the coding strand, the complement: HYOU1 is on the minus strand). VCF-style: chr11-119052646-G-A. GRCh37 (hg19) VCF-style: chr11-118923358-G-A.
Other names: c.978C>T, p.His326= (NM_001130991.3, NM_001411041.1).
Identifiers: ClinVar variation 2803850 (VCV002803850.3), dbSNP rs1332610030, ClinGen allele CA672396068.